The following is an entry in ClinVar:

ClinVar aggregate classification (germline): Likely benign. Review status: criteria provided, multiple submitters, no conflicts (2 of 4 stars). 6 submissions from 6 submitters: Likely benign (6). Last evaluated 2026-09-21.

Conditions:
Hypercholesterolemia, autosomal dominant, type B (FHCL2). Also called: APOLIPOPROTEIN B-100, FAMILIAL DEFECTIVE; APOLIPOPROTEIN B-100, FAMILIAL LIGAND-DEFECTIVE; HYPERCHOLESTEROLEMIA, FAMILIAL, DUE TO LIGAND-DEFECTIVE APOLIPOPROTEIN B; Familial hypercholesterolemia 2; Hyperlipoproteinemia Type IIb; Familial Hypercholesterolemia Type B. Identifiers: MedGen C1704417, MONDO:0007751, OMIM 144010.
Familial hypobetalipoproteinemia 1. Also called: Hypobetalipoproteinemia, normotriglyceridemic; Acanthocytosis with hypobetalipoproteinemia; APOB-Related Familial Hypobetalipoproteinemia. Identifiers: MedGen C4551990, MONDO:0014252, OMIM 615558.
Familial hypercholesterolemia. Also called: Familial hypercholesterolaemia; Familial hypercholesterolemias. Identifiers: MedGen C0020445, MONDO:0005439.
Cardiovascular phenotype. Identifiers: MedGen CN230736.

Allele frequency attached by ClinVar (database versions not stated): TOPMed 0.00014.
gnomAD v4.1: 1 of 1,285,418 alleles (0.000078%); no homozygotes.

Submissions (6):

Molecular Diagnostic Laboratory for Inherited Cardiovascular Disease, Montreal Heart Institute
Classification: Likely benign. Last evaluated: 2026-09-21. Review status: criteria provided, single submitter. Criteria: ACMG Guidelines, 2015. Collection method: clinical testing. Allele origin: germline. Affected: no.

Labcorp Genetics (formerly Invitae), Labcorp
Classification: Likely benign for Familial hypobetalipoproteinemia 1; Hypercholesterolemia, autosomal dominant, type B. Last evaluated: 2025-10-11. Review status: criteria provided, single submitter. Criteria: Invitae Variant Classification Sherloc (09022015). Collection method: clinical testing. Allele origin: germline.

Quest Diagnostics Nichols Institute San Juan Capistrano
Classification: Likely benign. Last evaluated: 2025-06-30. Review status: criteria provided, single submitter. Criteria: Quest Diagnostics criteria. Collection method: clinical testing. Allele origin: unknown.

CeGaT Center for Human Genetics Tuebingen
Classification: Likely benign. Last evaluated: 2025-04-01. Review status: criteria provided, single submitter. Criteria: CeGaT Center For Human Genetics Tuebingen Variant Classification Criteria Version 2. Collection method: clinical testing. Allele origin: germline. Affected: yes. Observed: 2 variant alleles.
Comment: APOB: BP4, BP7

GENinCode PLC
Classification: Likely benign for Familial hypercholesterolemia. Last evaluated: 2023-05-15. Review status: criteria provided, single submitter. Criteria: ACMG Guidelines, 2015. Collection method: clinical testing. Allele origin: germline.
Comment: This is a synonymous (silent) variant that is not predicted by SpliceAI to impact splicing. In addition, it occurs at a nucleotide that is not conserved. Therefore this variant has been classified as Likely Benign (BP4, BP7).

Ambry Genetics
Classification: Likely benign for Cardiovascular phenotype. Last evaluated: 2022-08-10. Review status: criteria provided, single submitter. Criteria: Ambry Variant Classification Scheme 2023. Collection method: clinical testing. Allele origin: germline.

NM_000384.3(APOB):c.18C>T (p.Pro6=)

Genes: APOB (apolipoprotein B; minus strand), LOC106560211 (APOB 5' regulatory region; plus strand). Cytogenetic location: 2p24.1.
Variant type: single nucleotide variant.
Coding change: c.18C>T on transcript NM_000384.3 (MANE Select); coding-DNA position 18, C replaced by T.
Protein change: p.Pro6=; no amino-acid change (proline 6 retained).
Molecular consequence: synonymous variant.
Genome position (GRCh38, 1-based): chr2:21,043,928, G>A on the plus strand (C>T on the coding strand, the complement: APOB is on the minus strand). VCF-style: chr2-21043928-G-A. GRCh37 (hg19) VCF-style: chr2-21266800-G-A.
Identifiers: ClinVar variation 808700 (VCV000808700.55), dbSNP rs935727658, ClinGen allele CA43470299.